The following is an entry in ClinVar:

ClinVar aggregate classification (germline): Uncertain significance (1 of 4 stars; one submission).

Conditions:
CFI-related disorder. Also called: CFI-related condition; CFI-related disorders. Identifiers: MedGen CN239325.

Submission:

Genomenon, Inc
Classification: Uncertain significance for CFI-related disorder. Last evaluated: 2025-09-26. Review status: criteria provided, single submitter. Criteria: Genomenon Sequence Variant Interpretation Standards - Updated. Collection method: curation. Allele origin: germline. Affected: no.
Comment: CFI p.Lys200Gln (c.598A>C) is a missense variant that changes the amino acid at residue 200 from Lysine to Glutamine. To our knowledge, this variant has not been reported in patients affected with CFI-related disorders in the published literature. Functional studies have been reported; however, the significance of the findings remain unclear (20044478). It is absent or not present at a significant frequency in gnomAD. In silico models agree that this variant is not damaging. In conclusion, we classify CFI p.Lys200Gln (c.598A>C) as a variant of unknown significance.

NM_000204.5(CFI):c.598A>C (p.Lys200Gln)

Gene: CFI (complement factor I; minus strand). Cytogenetic location: 4q25.
Variant type: single nucleotide variant.
Coding change: c.598A>C on transcript NM_000204.5 (MANE Select); coding-DNA position 598, A replaced by C.
Protein change: p.Lys200Gln; replaces lysine 200 with glutamine.
Molecular consequence: missense variant. On other transcripts: 5 prime UTR variant (1), non-coding transcript variant (3).
Genome position (GRCh38, 1-based): chr4:109,761,577, T>G on the plus strand (A>C on the coding strand, the complement: CFI is on the minus strand). VCF-style: chr4-109761577-T-G. GRCh37 (hg19) VCF-style: chr4-110682733-T-G.
Other names: c.598A>C, p.Lys200Gln (NM_001318057.2, NM_001331035.2, NM_001375278.1 and 10 more transcripts); c.-12A>C (NM_001375284.1); short protein forms K200Q.
Identifiers: ClinVar variation 4280504 (VCV004280504.1).